The following is an entry in ClinVar:

NM_000051.4(ATM):c.8789G>T (p.Cys2930Phe)

Genes: ATM (ATM serine/threonine kinase; plus strand), C11orf65 (chromosome 11 open reading frame 65; minus strand). Cytogenetic location: 11q22.3.
Variant type: single nucleotide variant.
Coding change: c.8789G>T on transcript NM_000051.4 (MANE Select); coding-DNA position 8789, G replaced by T.
Protein change: p.Cys2930Phe; replaces cysteine 2930 with phenylalanine.
Molecular consequence: missense variant. On other transcripts: intron variant (2).
Genome position (GRCh38, 1-based): chr11:108,354,813, G>T. VCF-style: chr11-108354813-G-T. GRCh37 (hg19) VCF-style: chr11-108225540-G-T.
Other names: c.8789G>T, p.Cys2930Phe (NM_001351834.2); c.640+31107C>A (NM_001330368.2); c.695-19521C>A (NM_001351110.2); short protein forms C2930F.
Identifiers: ClinVar variation 407511 (VCV000407511.9), dbSNP rs1060501572, ClinGen allele CA16613523.
Genomic context (GRCh38, chr11:108,354,813, plus strand): 5'-ATACGTTGACAACATTGGTGTGTAACAAAATCCGTATTTATAATGTGTTTGACTCTAGAT[G>T]CTGTGAGAAAACCATGGAAGTGATGAGAAACTCTCAGGAAACTCTGTTAACCATTGTAGA-3'
Protein context (NP_000042.3, residues 2920-2940): ITGVEGVFRR[Cys2930Phe]CEKTMEVMRN

ClinVar aggregate classification (germline): Uncertain significance (1 of 4 stars; one submission).

Conditions:
Ataxia-telangiectasia syndrome (AT). Also called: LOUIS-BAR SYNDROME; Cerebello-oculocutaneous telangiectasia; Immunodeficiency with ataxia telangiectasia; Ataxia-telangiectasia, complementation group D; AT, COMPLEMENTATION GROUP C; Ataxia-telangiectasia, complementation group E. Identifiers: Orphanet 100, MedGen C0004135, MONDO:0008840, OMIM 208900.

Submission:

Labcorp Genetics (formerly Invitae), Labcorp
Classification: Uncertain significance for Ataxia-telangiectasia syndrome. Last evaluated: 2016-12-20. Review status: criteria provided, single submitter. Criteria: Invitae Variant Classification Sherloc (09022015). Collection method: clinical testing. Allele origin: germline.
Comment: In summary, this variant is a novel missense change with uncertain impact on protein function. It has been classified as a Variant of Uncertain Significance. This sequence change replaces cysteine with phenylalanine at codon 2930 of the ATM protein (p.Cys2930Phe). The cysteine residue is highly conserved and there is a large physicochemical difference between cysteine and phenylalanine. This variant is not present in population databases (ExAC no frequency) and has not been reported in the literature in individuals with a ATM-related disease. Algorithms developed to predict the effect of missense changes on protein structure and function (SIFT, PolyPhen-2, Align-GVGD) all suggest that this variant is likely to be disruptive, but these predictions have not been confirmed by published functional studies.